The following is an entry in ClinVar:

NM_001381902.1(SAGE1):c.2069A>T (p.Asn690Ile)

Gene: SAGE1 (sarcoma antigen 1; plus strand). Cytogenetic location: Xq26.3.
Variant type: single nucleotide variant.
Coding change: c.2069A>T on transcript NM_001381902.1 (MANE Select); coding-DNA position 2069, A replaced by T.
Protein change: p.Asn690Ile; replaces asparagine 690 with isoleucine.
Molecular consequence: missense variant.
Genome position (GRCh38, 1-based): chrX:135,911,255, A>T. VCF-style: chrX-135911255-A-T. GRCh37 (hg19) VCF-style: chrX-134993414-A-T.
Other names: c.2069A>T, p.Asn690Ile (NM_018666.3); short protein forms N690I.
Identifiers: ClinVar variation 3052354 (VCV003052354.2), dbSNP rs147695949, ClinGen allele CA10524341.

ClinVar aggregate classification (germline): Benign (0 of 4 stars; one submission).

Conditions:
SAGE1-related disorder. Also called: SAGE1-related condition.

Allele frequency attached by ClinVar (database versions not stated): gnomAD exomes 0.00043; ExAC 0.00140; ESP Exome Variant Server 0.00388; 1000 Genomes Project 0.00424; gnomAD 0.00448; 1000 Genomes Project 30x 0.00458; TOPMed 0.00576.
gnomAD v4.1: 1,001 of 1,205,948 alleles (0.083%); highest among the groups gnomAD compares: African/African-American, 1.4%; 5 homozygotes.

Submission:

PreventionGenetics, part of Exact Sciences
Classification: Benign for SAGE1-related condition. Last evaluated: 2019-08-14. Review status: no assertion criteria provided. Collection method: clinical testing. Allele origin: germline.
Comment: This variant is classified as benign based on ACMG/AMP sequence variant interpretation guidelines (Richards et al. 2015 PMID: 25741868, with internal and published modifications).